The following is an entry in ClinVar:

ClinVar aggregate classification (germline): Uncertain significance. Review status: criteria provided, multiple submitters, no conflicts (2 of 4 stars). 5 submissions from 5 submitters: Uncertain significance (4). 1 of the submissions does not count toward it. Last evaluated 2023-03-08.

Conditions:
Zellweger spectrum disorders (ZS). Also called: Zellweger Spectrum Disorder; Zellweger Spectrum; Zellweger syndrome; Zellweger Spectrum Disorder (ZSD). Identifiers: Orphanet 912, MedGen C0043459, MONDO:0019609.
Inborn genetic diseases. Identifiers: MedGen C0950123, MeSH D030342.
Peroxisome biogenesis disorder, complementation group 7 (CG7). Also called: Peroxisome biogenesis disorder, complementation group B. Identifiers: MedGen C1864399.

Allele frequency attached by ClinVar (database versions not stated): gnomAD exomes 0.00003 and 0.00006; ExAC 0.00008; 1000 Genomes Project 30x 0.00016; 1000 Genomes Project 0.00020; gnomAD 0.00029 and 0.00034; TOPMed 0.00039; ESP Exome Variant Server 0.00046.

Submissions (5):

Blueprint Genetics
Classification: Uncertain significance. Last evaluated: 2023-03-08. Review status: criteria provided, single submitter. Criteria: ACMG Guidelines, 2015. Collection method: clinical testing. Allele origin: germline.

Ambry Genetics
Classification: Uncertain significance for Inborn genetic diseases. Last evaluated: 2022-12-01. Review status: criteria provided, single submitter. Criteria: Ambry Variant Classification Scheme 2023. Collection method: clinical testing. Allele origin: germline.

Labcorp Genetics (formerly Invitae), Labcorp
Classification: Uncertain significance for Peroxisome biogenesis disorder, complementation group 7. Last evaluated: 2022-10-13. Review status: criteria provided, single submitter. Criteria: Invitae Variant Classification Sherloc (09022015). Collection method: clinical testing. Allele origin: germline.
Comment: This sequence change replaces proline, which is neutral and non-polar, with leucine, which is neutral and non-polar, at codon 291 of the PEX10 protein (p.Pro291Leu). This variant is present in population databases (rs142088776, gnomAD 0.07%). This variant has not been reported in the literature in individuals affected with PEX10-related conditions. ClinVar contains an entry for this variant (Variation ID: 289191). Algorithms developed to predict the effect of missense changes on protein structure and function (SIFT, PolyPhen-2, Align-GVGD) all suggest that this variant is likely to be tolerated. In summary, the available evidence is currently insufficient to determine the role of this variant in disease. Therefore, it has been classified as a Variant of Uncertain Significance.

Eurofins Ntd Llc (ga)
Classification: Uncertain significance. Last evaluated: 2017-10-13. Review status: criteria provided, single submitter. Criteria: EGL Classification Definitions 2015. Collection method: clinical testing. Allele origin: germline. Observed: 2 variant alleles, 2 heterozygotes.

Natera, Inc.
Classification: Uncertain significance for Zellweger syndrome. Last evaluated: 2019-10-28. Review status: no assertion criteria provided. Collection method: clinical testing. Allele origin: germline. Not counted in ClinVar's aggregate classification.

NM_002617.4(PEX10):c.812C>T (p.Pro271Leu)

Gene: PEX10 (peroxisomal biogenesis factor 10; minus strand). Cytogenetic location: 1p36.32.
Variant type: single nucleotide variant.
Coding change: c.812C>T on transcript NM_002617.4 (MANE Select); coding-DNA position 812, C replaced by T.
Protein change: p.Pro271Leu; replaces proline 271 with leucine.
Molecular consequence: missense variant. On other transcripts: non-coding transcript variant (1).
Genome position (GRCh38, 1-based): chr1:2,406,584, G>A on the plus strand (C>T on the coding strand, the complement: PEX10 is on the minus strand). VCF-style: chr1-2406584-G-A. GRCh37 (hg19) VCF-style: chr1-2338023-G-A.
Other names: c.869C>T, p.Pro290Leu (NM_001374425.1); c.437C>T, p.Pro146Leu (NM_001374426.1); c.380C>T, p.Pro127Leu (NM_001374427.1); c.872C>T, p.Pro291Leu (NM_153818.2); short protein forms P291L, P271L, P127L, P146L, P290L.
Identifiers: ClinVar variation 289191 (VCV000289191.10), dbSNP rs142088776, ClinGen allele CA538008.